The following is an entry in ClinVar:

ClinVar aggregate classification (germline): Likely pathogenic (1 of 4 stars; one submission).

Conditions:
Cardiovascular phenotype. Identifiers: MedGen CN230736.
Hereditary cancer-predisposing syndrome. Also called: Hereditary Cancer Syndrome; Neoplastic Syndromes, Hereditary; Tumor predisposition; Hereditary neoplastic syndrome. Identifiers: Orphanet 140162, MedGen C0027672, MeSH D009386, MONDO:0015356.

Submission:

Ambry Genetics
Classification: Likely pathogenic for Cardiovascular phenotype; Hereditary cancer-predisposing syndrome. Last evaluated: 2016-08-23. Review status: criteria provided, single submitter. Criteria: Ambry Variant Classification Scheme 2023. Collection method: clinical testing. Allele origin: germline.
Comment: The c.5205+5_5205+6delGT intronic variant, located in intron 36 of the NF1 gene, results from a deletion of two nucleotides within intron 36 of the NF1 gene. This variant was not reported in population based cohorts in the following databases: Database of Single Nucleotide Polymorphisms (dbSNP), NHLBI Exome Sequencing Project (ESP), and 1000 Genomes Project. In the ESP, this variant was not observed in 6503 samples (13006 alleles) with coverage at this position. The deleted nucleotides are well conserved in available vertebrate species. Using the BDGP, ESEfinder, and Human Splicing Finder (HSF) splice site prediction tools, this alteration is predicted to weaken the efficiency of the native splice donor site; however, direct evidence is unavailable. In addition, substitutions of G at the same +5 position have been identified in multiple patients with neurofibromatosis type I and reported to result in in-frame deletion of 18 amino acids due to aberrant splicing (Ars E et al. J. Med. Genet., 2003 Jun;40:e82; Lee MJ et al. Hum. Mutat., 2006 Aug;27:832; Sabbagh A et al. Hum. Mutat., 2013 Nov;34:1510-8). Based on the majority of available evidence to date, this variant is likely to be pathogenic.

NM_001042492.3(NF1):c.5268+5_5268+6del

Gene: NF1 (neurofibromin 1; plus strand). Cytogenetic location: 17q11.2.
Variant type: Deletion.
Coding change: c.5268+5_5268+6del on transcript NM_001042492.3 (MANE Select); bases 5 to 6 of the intron after coding-DNA position 5268, 2 bases deleted (GT; older notation c.5268+5_5268+6delGT).
Molecular consequence: intron variant.
Genome position (GRCh38, 1-based): chr17:31,326,257-31,326,258, GT deleted. VCF-style (leftmost placement, unchanged base first): chr17-31326256-AGT-A. GRCh37 (hg19) VCF-style: chr17-29653274-AGT-A.
Other names: c.5205+5_5205+6del (NM_000267.4); c.5205+5_5205+6delGT (NM_000267.3).
Identifiers: ClinVar variation 1746059 (VCV001746059.2), dbSNP rs2508698916, ClinGen allele CA2580093069.